The following is an entry in ClinVar:

NM_001330360.2(POLA1):c.1090G>A (p.Val364Met)

Gene: POLA1 (DNA polymerase alpha 1, catalytic subunit; plus strand). Cytogenetic location: Xp22.11.
Variant type: single nucleotide variant.
Coding change: c.1090G>A on transcript NM_001330360.2 (MANE Select); coding-DNA position 1090, G replaced by A.
Protein change: p.Val364Met; replaces valine 364 with methionine.
Molecular consequence: missense variant. On other transcripts: non-coding transcript variant (2).
Genome position (GRCh38, 1-based): chrX:24,723,157, G>A. VCF-style: chrX-24723157-G-A. GRCh37 (hg19) VCF-style: chrX-24741274-G-A.
Other names: c.1090G>A, p.Val364Met (NM_001378303.1, NM_001440806.1); c.1072G>A, p.Val358Met (NM_016937.4); short protein forms V358M, V364M.
Identifiers: ClinVar variation 4772386 (VCV004772386.1).

ClinVar aggregate classification (germline): Uncertain significance (1 of 4 stars; one submission).

Submission:

Labcorp Genetics (formerly Invitae), Labcorp
Classification: Uncertain significance. Last evaluated: 2025-09-24. Review status: criteria provided, single submitter. Criteria: Invitae Variant Classification Sherloc (09022015). Collection method: clinical testing. Allele origin: germline.
Comment: This sequence change replaces valine, which is neutral and non-polar, with methionine, which is neutral and non-polar, at codon 358 of the POLA1 protein (p.Val358Met). This variant is not present in population databases (gnomAD no frequency). This variant has not been reported in the literature in individuals affected with POLA1-related conditions. An algorithm developed to predict the effect of missense changes on protein structure and function (PolyPhen-2) suggests that this variant is likely to be disruptive. In summary, the available evidence is currently insufficient to determine the role of this variant in disease. Therefore, it has been classified as a Variant of Uncertain Significance.